The following is an entry in ClinVar:

NM_004006.3(DMD):c.10831G>T (p.Val3611Leu)

Gene: DMD (dystrophin; minus strand). Cytogenetic location: Xp21.2.
Variant type: single nucleotide variant.
Coding change: c.10831G>T on transcript NM_004006.3 (MANE Select); coding-DNA position 10831, G replaced by T.
Protein change: p.Val3611Leu; replaces valine 3611 with leucine.
Molecular consequence: missense variant.
Genome position (GRCh38, 1-based): chrX:31,146,381, C>A on the plus strand (G>T on the coding strand, the complement: DMD is on the minus strand). VCF-style: chrX-31146381-C-A. GRCh37 (hg19) VCF-style: chrX-31164498-C-A.
Other names: c.10807G>T, p.Val3603Leu (NM_000109.4); c.10819G>T, p.Val3607Leu (NM_004009.3); c.10462G>T, p.Val3488Leu (NM_004010.3); c.6808G>T, p.Val2270Leu (NM_004011.4); c.6799G>T, p.Val2267Leu (NM_004012.4); c.3451G>T, p.Val1151Leu (NM_004013.3, NM_004021.3); c.2644G>T, p.Val882Leu (NM_004014.3); c.1627G>T, p.Val543Leu (NM_004015.3, NM_004016.3); and 3 more; short protein forms V1138L, V1151L, V3607L, V530L, V882L, V1041L, V2270L, V3611L.
Identifiers: ClinVar variation 1786850 (VCV001786850.5), dbSNP rs760753090, ClinGen allele CA10377524.

ClinVar aggregate classification (germline): Uncertain significance. Review status: criteria provided, multiple submitters, no conflicts (2 of 4 stars). 2 submissions from 2 submitters: Uncertain significance (2). Last evaluated 2025-04-02.

Conditions:
Duchenne muscular dystrophy (DMD). Also called: MUSCULAR DYSTROPHY, PSEUDOHYPERTROPHIC PROGRESSIVE, DUCHENNE TYPE; Duchenne Muscular Dystrophy (DMD). Identifiers: Orphanet 98896, MedGen C0013264, MONDO:0010679, OMIM 310200.
Cardiovascular phenotype. Identifiers: MedGen CN230736.

Allele frequency attached by ClinVar (database versions not stated): ExAC 0.00001; TOPMed below 0.00001.

Submissions (2):

Labcorp Genetics (formerly Invitae), Labcorp
Classification: Uncertain significance for Duchenne muscular dystrophy. Last evaluated: 2025-04-02. Review status: criteria provided, single submitter. Criteria: Invitae Variant Classification Sherloc (09022015). Collection method: clinical testing. Allele origin: germline.
Comment: This sequence change replaces valine, which is neutral and non-polar, with leucine, which is neutral and non-polar, at codon 3611 of the DMD protein (p.Val3611Leu). This variant is not present in population databases (gnomAD no frequency). This variant has not been reported in the literature in individuals affected with DMD-related conditions. ClinVar contains an entry for this variant (Variation ID: 1786850). Invitae Evidence Modeling of protein sequence and biophysical properties (such as structural, functional, and spatial information, amino acid conservation, physicochemical variation, residue mobility, and thermodynamic stability) indicates that this missense variant is not expected to disrupt DMD protein function with a negative predictive value of 95%. In summary, the available evidence is currently insufficient to determine the role of this variant in disease. Therefore, it has been classified as a Variant of Uncertain Significance.

Ambry Genetics
Classification: Uncertain significance for Cardiovascular phenotype. Last evaluated: 2018-01-25. Review status: criteria provided, single submitter. Criteria: Ambry Variant Classification Scheme 2023. Collection method: clinical testing. Allele origin: germline.
Comment: The p.V3611L variant (also known as c.10831G>T), located in coding exon 76 of the DMD gene, results from a G to T substitution at nucleotide position 10831. The valine at codon 3611 is replaced by leucine, an amino acid with highly similar properties. This amino acid position is not well conserved in available vertebrate species, and leucine is the reference amino acid in other vertebrate species. In addition, this alteration is predicted to be tolerated by in silico analysis. Since supporting evidence is limited at this time, the clinical significance of this alteration remains unclear.